The following is an entry in ClinVar:

NM_000070.3(CAPN3):c.1792_1795del (p.Lys598fs)

Gene: CAPN3 (calpain 3; plus strand). Cytogenetic location: 15q15.1.
Variant type: Deletion.
Coding change: c.1792_1795del on transcript NM_000070.3 (MANE Select); coding-DNA positions 1792 to 1795, 4 bases deleted (AAAA; older notation c.1792_1795delAAAA).
Protein change: p.Lys598fs; shifts the reading frame from lysine 598.
Molecular consequence: frameshift variant. On other transcripts: 5 prime UTR variant (1), intron variant (3).
Genome position (GRCh38, 1-based): chr15:42,405,935-42,405,938, AAAA deleted; deleting any 4 consecutive bases within chr15:42,405,932-42,405,938 gives the same sequence; the c. name uses the placement nearest the transcript's 3' end. VCF-style (leftmost placement, unchanged base first): chr15-42405931-GAAAA-G. GRCh37 (hg19) VCF-style: chr15-42698129-GAAAA-G.
Other names: c.256_259del, p.Lys86fs (NM_173088.2); c.-90_-87del (NM_173090.2); c.1782+2158_1782+2161del (NM_024344.2); c.1638+2158_1638+2161del (NM_173087.2); c.-82+980_-82+983del (NM_173089.2); short protein forms K598fs, K86fs.
Identifiers: ClinVar variation 2736183 (VCV002736183.3), dbSNP rs80338803, ClinGen allele CA2628033052.

ClinVar aggregate classification (germline): Pathogenic (1 of 4 stars; one submission).

Conditions:
Autosomal recessive limb-girdle muscular dystrophy type 2A (LGMDR1). Also called: Calpainopathy; Muscular dystrophy, limb-girdle, type 2A, Amish; LEYDEN-MOEBIUS MUSCULAR DYSTROPHY; MUSCULAR DYSTROPHY, PELVOFEMORAL; Limb-girdle muscular dystrophy, type 2A. Identifiers: Orphanet 267, MedGen C1869123, MONDO:0009675, OMIM 253600. Disease mechanism: loss of function.

Submission:

Labcorp Genetics (formerly Invitae), Labcorp
Classification: Pathogenic for Autosomal recessive limb-girdle muscular dystrophy type 2A. Last evaluated: 2023-06-20. Review status: criteria provided, single submitter. Criteria: Invitae Variant Classification Sherloc (09022015). Collection method: clinical testing. Allele origin: germline.
Comment: For these reasons, this variant has been classified as Pathogenic. This premature translational stop signal has been observed in individual(s) with limb-girdle muscular dystrophy (PMID: 15221789). This variant is not present in population databases (gnomAD no frequency). This sequence change creates a premature translational stop signal (p.Lys598Profs*63) in the CAPN3 gene. It is expected to result in an absent or disrupted protein product. Loss-of-function variants in CAPN3 are known to be pathogenic (PMID: 10330340, 15689361).

Literature cited by the submitters: PubMed 15221789; PubMed 10330340; PubMed 15689361.